The following is an entry in ClinVar:

ClinVar aggregate classification (germline): Uncertain significance (1 of 4 stars; one submission).

Conditions:
Early Myoclonic Encephalopathy. Identifiers: MedGen C0270855.

Allele frequency attached by ClinVar (database versions not stated): gnomAD exomes 0.00001 and below 0.00001; ExAC 0.00001.
gnomAD v4.1: 5 of 1,609,632 alleles (0.00031%); highest among the groups gnomAD compares: Non-Finnish European, 0.00043%; no homozygotes.

Submission:

Labcorp Genetics (formerly Invitae), Labcorp
Classification: Uncertain significance for Early Myoclonic Encephalopathy. Last evaluated: 2020-09-20. Review status: criteria provided, single submitter. Criteria: Invitae Variant Classification Sherloc (09022015). Collection method: clinical testing. Allele origin: germline.
Comment: This sequence change falls in intron 6 of the JMJD1C gene. It does not directly change the encoded amino acid sequence of the JMJD1C protein, but it affects a nucleotide within the consensus splice site of the intron. This variant is present in population databases (rs760726872, ExAC 0.002%). This variant has not been reported in the literature in individuals with JMJD1C-related conditions. Nucleotide substitutions within the consensus splice site are a relatively common cause of aberrant splicing (PMID: 17576681, 9536098). Algorithms developed to predict the effect of sequence changes on RNA splicing suggest that this variant may disrupt the consensus splice site, but this prediction has not been confirmed by published transcriptional studies. In summary, the available evidence is currently insufficient to determine the role of this variant in disease. Therefore, it has been classified as a Variant of Uncertain Significance.

Literature cited by the submitters: PubMed 17576681; PubMed 9536098.

NM_032776.3(JMJD1C):c.822+3A>G

Gene: JMJD1C (jumonji domain containing 1C; minus strand). Cytogenetic location: 10q21.3.
Variant type: single nucleotide variant.
Coding change: c.822+3A>G on transcript NM_032776.3 (MANE Select); 3 bases into the intron after coding-DNA position 822, A replaced by G.
Molecular consequence: intron variant. On other transcripts: 5 prime UTR variant (1).
Genome position (GRCh38, 1-based): chr10:63,215,550, T>C on the plus strand (A>G on the coding strand, the complement: JMJD1C is on the minus strand). VCF-style: chr10-63215550-T-C. GRCh37 (hg19) VCF-style: chr10-64975310-T-C.
Other names: c.-44A>G (NM_001318153.2); c.165+3A>G (NM_001322258.2, NM_001322254.2); c.276+3A>G (NM_001318154.2, NM_001282948.2); c.708+3A>G (NM_001322252.2).
Identifiers: ClinVar variation 1063108 (VCV001063108.4), dbSNP rs760726872, ClinGen allele CA5518948.